The following is an entry in ClinVar:

ClinVar aggregate classification (germline): Benign/Likely benign. Review status: criteria provided, multiple submitters, no conflicts (2 of 4 stars). 5 submissions from 5 submitters: Benign (2); Likely benign (2). 1 of the submissions does not count toward it. Last evaluated 2025-07-30.

Conditions:
KCNQ3-related disorder. Also called: KCNQ3-related condition; KCNQ3-Related Disorders. Identifiers: MedGen CN381530.
Inborn genetic diseases. Identifiers: MedGen C0950123, MeSH D030342.
Seizures, benign familial neonatal, 2. Also called: Benign Neonatal Epilepsy 2; CONVULSIONS, BENIGN FAMILIAL NEONATAL, 2; Seizures, benign neonatal, 2; KCNQ3-Related Benign Familial Neonatal Epilepsy; KCNQ3-Related Self-Limited Familial Neonatal Epilepsy (SLFNE). Identifiers: Orphanet 1949, MedGen C1852581, MONDO:0007366, OMIM 121201.
Benign neonatal seizures. Also called: Benign neonatal familial convulsions; Convulsions benign familial neonatal dominant form; Autosomal dominant form of benign neonatal seizures; Benign familial neonatal seizures; Benign familial neonatal epilepsy. Identifiers: Orphanet 1949, MedGen C0220669, MONDO:0016027.

Allele frequency attached by ClinVar (database versions not stated): gnomAD 0.00004 and 0.00006; TOPMed 0.00023; ExAC 0.00027; 1000 Genomes Project 30x 0.00031; 1000 Genomes Project 0.00040.
gnomAD v4.1: 133 of 1,613,966 alleles (0.0082%); highest among the groups gnomAD compares: East Asian, 0.21%; 1 homozygote.

Submissions (5):

Labcorp Genetics (formerly Invitae), Labcorp
Classification: Benign for Benign neonatal seizures. Last evaluated: 2025-07-30. Review status: criteria provided, single submitter. Criteria: Invitae Variant Classification Sherloc (09022015). Collection method: clinical testing. Allele origin: germline.

Blueprint Genetics
Classification: Likely benign. Last evaluated: 2024-10-24. Review status: criteria provided, single submitter. Criteria: ACMG Guidelines, 2015. Collection method: clinical testing. Allele origin: germline.

Illumina Laboratory Services, Illumina
Classification: Benign for Seizures, benign familial neonatal, 2. Last evaluated: 2018-03-20. Review status: criteria provided, single submitter. Criteria: ICSL Variant Classification Criteria 13 December 2019. Collection method: clinical testing. Allele origin: germline.
Comment: This variant was observed in the ICSL laboratory as part of a predisposition screen in an ostensibly healthy population. It had not been previously curated by ICSL or reported in the Human Gene Mutation Database (HGMD: prior to June 1st, 2018), and was therefore a candidate for classification through an automated scoring system. Utilizing variant allele frequency, disease prevalence and penetrance estimates, and inheritance mode, an automated score was calculated to assess if this variant is too frequent to cause the disease. Based on the score and internal cut-off values, a variant classified as benign is not then subjected to further curation. The score for this variant resulted in a classification of benign for this disease.

Ambry Genetics
Classification: Likely benign for Inborn genetic diseases. Last evaluated: 2017-07-24. Review status: criteria provided, single submitter. Criteria: Ambry Variant Classification Scheme 2023. Collection method: clinical testing. Allele origin: germline.

PreventionGenetics, part of Exact Sciences
Classification: Likely benign for KCNQ3-related condition. Last evaluated: 2022-04-06. Review status: no assertion criteria provided. Collection method: clinical testing. Allele origin: germline. Not counted in ClinVar's aggregate classification.
Comment: This variant is classified as likely benign based on ACMG/AMP sequence variant interpretation guidelines (Richards et al. 2015 PMID: 25741868, with internal and published modifications).

NM_004519.4(KCNQ3):c.1665C>T (p.Leu555=)

Gene: KCNQ3 (potassium voltage-gated channel subfamily Q member 3; minus strand). Cytogenetic location: 8q24.22.
Variant type: single nucleotide variant.
Coding change: c.1665C>T on transcript NM_004519.4 (MANE Select); coding-DNA position 1665, C replaced by T.
Protein change: p.Leu555=; no amino-acid change (leucine 555 retained).
Molecular consequence: synonymous variant.
Genome position (GRCh38, 1-based): chr8:132,137,920, G>A on the plus strand (C>T on the coding strand, the complement: KCNQ3 is on the minus strand). VCF-style: chr8-132137920-G-A. GRCh37 (hg19) VCF-style: chr8-133150167-G-A.
Other names: c.1305C>T, p.Leu435= (NM_001204824.2).
Identifiers: ClinVar variation 911823 (VCV000911823.17), dbSNP rs143511163, ClinGen allele CA4880636.